The following is an entry in ClinVar:

NM_199334.5(THRA):c.83G>A (p.Arg28Lys)

Gene: THRA (thyroid hormone receptor alpha; plus strand). Cytogenetic location: 17q21.1.
Variant type: single nucleotide variant.
Coding change: c.83G>A on transcript NM_199334.5 (MANE Select); coding-DNA position 83, G replaced by A.
Protein change: p.Arg28Lys; replaces arginine 28 with lysine.
Molecular consequence: missense variant.
Genome position (GRCh38, 1-based): chr17:40,076,900, G>A. VCF-style: chr17-40076900-G-A. GRCh37 (hg19) VCF-style: chr17-38233153-G-A.
Other names: c.83G>A, p.Arg28Lys (NM_001190918.2, NM_001190919.2, NM_003250.6); short protein forms R28K.
Identifiers: ClinVar variation 3352717 (VCV003352717.1).
Genomic context (GRCh38, chr17:40,076,900, plus strand): 5'-CTGTGATTCTGCCCACTTTGCCTCCATCCAGTGCCAGGTCACCAGATGGAAAGCGAAAAA[G>A]AAAGAACGGCCAATGTTCCCTGAAAACCAGCATGTCAGGTGAGGCTGGCTGTGCGTGCCC-3'
Protein context (NP_955366.1, residues 18-38): SARSPDGKRK[Arg28Lys]KNGQCSLKTS

ClinVar aggregate classification (germline): Likely benign (0 of 4 stars; one submission).

Conditions:
THRA-related disorder. Also called: THRA-related condition.

gnomAD v4.1: 159 of 1,614,130 alleles (0.0099%); highest among the groups gnomAD compares: South Asian, 0.17%; 2 homozygotes.

Submission:

PreventionGenetics, part of Exact Sciences
Classification: Likely benign for THRA-related condition. Last evaluated: 2024-03-06. Review status: no assertion criteria provided. Collection method: clinical testing. Allele origin: germline.
Comment: This variant is classified as likely benign based on ACMG/AMP sequence variant interpretation guidelines (Richards et al. 2015 PMID: 25741868, with internal and published modifications).